The following is an entry in ClinVar:

ClinVar aggregate classification (germline): Benign/Likely benign. Review status: criteria provided, multiple submitters, no conflicts (2 of 4 stars). 7 submissions from 7 submitters: Benign (4); Likely benign (3). Last evaluated 2026-01-13.

Conditions:
Tumor predisposition syndrome 3 (TPDS3). Also called: Glioma susceptibility 9; LONG TELOMERE SYNDROME, POT1-RELATED; POT1 Tumor Predisposition; Melanoma, cutaneous malignant, susceptibility to, 10. Identifiers: Orphanet 618, MedGen C4014476, MONDO:0014368, OMIM 615848.
Hereditary cancer-predisposing syndrome. Also called: Hereditary neoplastic syndrome; Hereditary Cancer Syndrome; Neoplastic Syndromes, Hereditary; Tumor predisposition. Identifiers: Orphanet 140162, MedGen C0027672, MeSH D009386, MONDO:0015356.

Allele frequency attached by ClinVar (database versions not stated): gnomAD exomes 0.00098; ExAC 0.00135; 1000 Genomes Project 30x 0.00312; 1000 Genomes Project 0.00379.
gnomAD v4.1: 715 of 1,582,150 alleles (0.045%); highest among the groups gnomAD compares: South Asian, 0.81%; 8 homozygotes.

Submissions (7):

Labcorp Genetics (formerly Invitae), Labcorp
Classification: Benign for Tumor predisposition syndrome 3. Last evaluated: 2026-01-13. Review status: criteria provided, single submitter. Criteria: Invitae Variant Classification Sherloc (09022015). Collection method: clinical testing. Allele origin: germline.

Mayo Clinic Laboratories, Mayo Clinic
Classification: Likely benign. Last evaluated: 2025-09-17. Review status: criteria provided, single submitter. Criteria: ACMG Guidelines, 2015. Collection method: clinical testing. Allele origin: germline. Observed: 1 variant allele.
Comment: BS1, BP4_moderate

Center for Genomic Medicine, Rigshospitalet, Copenhagen University Hospital
Classification: Likely benign. Last evaluated: 2025-03-04. Review status: criteria provided, single submitter. Criteria: ACMG Guidelines, 2015. Collection method: clinical testing. Allele origin: germline.

Sema4
Classification: Benign for Hereditary cancer-predisposing syndrome. Last evaluated: 2022-01-23. Review status: criteria provided, single submitter. Criteria: Sema4 Curation Guidelines. Collection method: curation. Allele origin: germline.

Genetic Services Laboratory, University of Chicago
Classification: Benign. Last evaluated: 2019-04-22. Review status: criteria provided, single submitter. Criteria: ACMG Guidelines, 2015. Collection method: clinical testing. Allele origin: germline. Affected: no.

GeneDx
Classification: Benign. Last evaluated: 2018-12-04. Review status: criteria provided, single submitter. Criteria: GeneDx Variant Classification Process June 2021. Collection method: clinical testing. Allele origin: germline. Affected: yes.

Ambry Genetics
Classification: Likely benign for Hereditary cancer-predisposing syndrome. Last evaluated: 2017-06-22. Review status: criteria provided, single submitter. Criteria: Ambry Variant Classification Scheme 2023. Collection method: clinical testing. Allele origin: germline.

NM_015450.3(POT1):c.1022A>G (p.Gln341Arg)

Gene: POT1 (protection of telomeres 1; minus strand). Cytogenetic location: 7q31.33.
Variant type: single nucleotide variant.
Coding change: c.1022A>G on transcript NM_015450.3 (MANE Select); coding-DNA position 1022, A replaced by G.
Protein change: p.Gln341Arg; replaces glutamine 341 with arginine.
Molecular consequence: missense variant. On other transcripts: non-coding transcript variant (3).
Genome position (GRCh38, 1-based): chr7:124,842,948, T>C on the plus strand (A>G on the coding strand, the complement: POT1 is on the minus strand). VCF-style: chr7-124842948-T-C. GRCh37 (hg19) VCF-style: chr7-124483002-T-C.
Other names: p.Gln341Arg; c.629A>G, p.Gln210Arg (NM_001042594.2); short protein forms Q341R, Q210R.
Identifiers: ClinVar variation 475012 (VCV000475012.28), dbSNP rs554325914, ClinGen allele CA4465245.